The following is an entry in ClinVar:

NM_000053.4(ATP7B):c.3320_3322del (p.Ser1107del)

Gene: ATP7B (ATPase copper transporting beta; minus strand). Cytogenetic location: 13q14.3.
Variant type: Deletion.
Coding change: c.3320_3322del on transcript NM_000053.4 (MANE Select); coding-DNA positions 3320 to 3322, 3 bases deleted (GCA; older notation c.3320_3322delGCA).
Protein change: p.Ser1107del; deletes serine 1107.
Molecular consequence: inframe deletion.
Genome position (GRCh38, 1-based): chr13:51,942,476-51,942,478, TGC deleted on the plus strand (GCA on the coding strand, the reverse complement: ATP7B is on the minus strand); deleting any 3 consecutive bases within chr13:51,942,476-51,942,480 gives the same sequence; the c. name uses the placement nearest the transcript's 3' end. VCF-style (leftmost placement, unchanged base first): chr13-51942475-TTGC-T. GRCh37 (hg19) VCF-style: chr13-52516611-TTGC-T.
Other names: c.2699_2701del, p.Ser900del (NM_001005918.3); c.2987_2989del, p.Ser996del (NM_001243182.2); c.3086_3088del, p.Ser1029del (NM_001330578.2); c.3068_3070del, p.Ser1023del (NM_001330579.2); c.3320_3322delGCA (NM_000053.3); short protein forms S996del, S900del, S1023del, S1029del, S1107del.
Identifiers: ClinVar variation 969424 (VCV000969424.13), dbSNP rs760772190, ClinGen allele CA6988739.

ClinVar aggregate classification (germline): Uncertain significance. Review status: criteria provided, multiple submitters, no conflicts (2 of 4 stars). 5 submissions from 5 submitters: Uncertain significance (4). 1 of the submissions does not count toward it. Last evaluated 2026-09-15.

Conditions:
ATP7B-related disorder. Also called: ATP7B-related condition.
Wilson disease (WND). Also called: Wilson's disease. Identifiers: Orphanet 905, MedGen C0019202, MONDO:0010200, OMIM 277900. Disease mechanism: loss of function.

Submissions (5):

GeneDx
Classification: Uncertain significance. Last evaluated: 2026-09-15. Review status: criteria provided, single submitter. Criteria: GeneDx Variant Classification Process June 2021. Collection method: clinical testing. Allele origin: germline.
Comment: Not observed at significant frequency in large population cohorts (gnomAD); In-frame deletion of 1 amino acid in a non-repeat region; In silico analysis supports a deleterious effect on protein structure/function; Has not been previously published as pathogenic or benign to our knowledge

Color Diagnostics, LLC DBA Color Health
Classification: Uncertain significance for Wilson disease. Last evaluated: 2025-07-08. Review status: criteria provided, single submitter. Criteria: ACMG Guidelines, 2015. Collection method: clinical testing. Allele origin: germline.
Comment: This variant causes an in-frame deletion of one amino acid at codon 1107 of the ATP7B protein. To our knowledge, functional studies have not been reported for this variant. This variant has not been reported in individuals affected with ATP7B-related disorders the literature. This variant has been identified in 4/249580 chromosomes in the general population by the Genome Aggregation Database (gnomAD). The available evidence is insufficient to determine the role of this variant in disease conclusively. Therefore, this variant is classified as a Variant of Uncertain Significance.

PreventionGenetics, part of Exact Sciences
Classification: Uncertain significance for ATP7B-related condition. Last evaluated: 2024-11-06. Review status: criteria provided, single submitter. Criteria: ACMG Guidelines, 2015. Collection method: clinical testing. Allele origin: germline.
Comment: The ATP7B c.3320_3322delGCA variant is predicted to result in an in-frame deletion (p.Ser1107del). To our knowledge, this variant has not been reported in the literature. This variant is reported in 0.0035% of alleles in individuals of European (non-Finnish) descent in gnomAD. At this time, the clinical significance of this variant is uncertain due to the absence of conclusive functional and genetic evidence.

Labcorp Genetics (formerly Invitae), Labcorp
Classification: Uncertain significance for Wilson disease. Last evaluated: 2023-12-22. Review status: criteria provided, single submitter. Criteria: Invitae Variant Classification Sherloc (09022015). Collection method: clinical testing. Allele origin: germline.
Comment: This variant, c.3320_3322del, results in the deletion of 1 amino acid(s) of the ATP7B protein (p.Ser1107del), but otherwise preserves the integrity of the reading frame. This variant is present in population databases (rs760772190, gnomAD 0.005%). This variant has not been reported in the literature in individuals affected with ATP7B-related conditions. ClinVar contains an entry for this variant (Variation ID: 969424). Experimental studies and prediction algorithms are not available or were not evaluated, and the functional significance of this variant is currently unknown. In summary, the available evidence is currently insufficient to determine the role of this variant in disease. Therefore, it has been classified as a Variant of Uncertain Significance.

Natera, Inc.
Classification: Uncertain significance for Wilson disease. Last evaluated: 2020-03-19. Review status: no assertion criteria provided. Collection method: clinical testing. Allele origin: germline. Not counted in ClinVar's aggregate classification.